The following is an entry in ClinVar:

NM_000051.4(ATM):c.7953del (p.Gln2651fs)

Genes: ATM (ATM serine/threonine kinase; plus strand), C11orf65 (chromosome 11 open reading frame 65; minus strand). Cytogenetic location: 11q22.3.
Variant type: Deletion.
Coding change: c.7953del on transcript NM_000051.4 (MANE Select); coding-DNA position 7953, one base deleted (G; older notation c.7953delG).
Protein change: p.Gln2651fs; shifts the reading frame from glutamine 2651.
Molecular consequence: frameshift variant. On other transcripts: intron variant (2).
Genome position (GRCh38, 1-based): chr11:108,333,911, G deleted. VCF-style (leftmost placement, unchanged base first): chr11-108333910-AG-A. GRCh37 (hg19) VCF-style: chr11-108204637-AG-A.
Other names: c.7953del, p.Gln2651fs (NM_001351834.2); c.641-24840del (NM_001330368.2); c.*38+1309del (NM_001351110.2); short protein forms Q2651fs.
Identifiers: ClinVar variation 1072943 (VCV001072943.7), dbSNP rs2136612771, ClinGen allele CA2499220712.

ClinVar aggregate classification (germline): Pathogenic (1 of 4 stars; one submission).

Conditions:
Ataxia-telangiectasia syndrome (AT). Also called: Ataxia telangiectasia (A-T); ATAXIA-TELANGIECTASIA, COMPLEMENTATION GROUP A; ATAXIA-TELANGIECTASIA, FRESNO VARIANT; Ataxia-telangiectasia; Ataxia-telangiectasia, complementation group E; LOUIS-BAR SYNDROME. Identifiers: Orphanet 100, MedGen C0004135, MONDO:0008840, OMIM 208900.

Submission:

Labcorp Genetics (formerly Invitae), Labcorp
Classification: Pathogenic for Ataxia-telangiectasia syndrome. Last evaluated: 2022-01-11. Review status: criteria provided, single submitter. Criteria: Invitae Variant Classification Sherloc (09022015). Collection method: clinical testing. Allele origin: germline.
Comment: For these reasons, this variant has been classified as Pathogenic. ClinVar contains an entry for this variant (Variation ID: 1072943). This variant has not been reported in the literature in individuals affected with ATM-related conditions. This variant is not present in population databases (gnomAD no frequency). This sequence change creates a premature translational stop signal (p.Gln2651Hisfs*9) in the ATM gene. It is expected to result in an absent or disrupted protein product. Loss-of-function variants in ATM are known to be pathogenic (PMID: 23807571, 25614872).

Literature cited by the submitters: PubMed 23807571; PubMed 25614872.